The following is an entry in ClinVar:

ClinVar aggregate classification (germline): Uncertain significance (1 of 4 stars; one submission).

Conditions:
Hypertrophic cardiomyopathy. Also called: HYPERTROPHIC MYOCARDIOPATHY. Identifiers: Orphanet 217569, MedGen C0007194, MeSH D002312, MONDO:0005045, HP:0001639.

Submission:

Labcorp Genetics (formerly Invitae), Labcorp
Classification: Uncertain significance for Hypertrophic cardiomyopathy. Last evaluated: 2023-07-19. Review status: criteria provided, single submitter. Criteria: Invitae Variant Classification Sherloc (09022015). Collection method: clinical testing. Allele origin: germline.
Comment: This sequence change replaces glutamic acid, which is acidic and polar, with glutamine, which is neutral and polar, at codon 1883 of the MYH7 protein (p.Glu1883Gln). This variant is not present in population databases (gnomAD no frequency). This variant has not been reported in the literature in individuals affected with MYH7-related conditions. Advanced modeling of protein sequence and biophysical properties (such as structural, functional, and spatial information, amino acid conservation, physicochemical variation, residue mobility, and thermodynamic stability) performed at Invitae indicates that this missense variant is expected to disrupt MYH7 protein function. In summary, the available evidence is currently insufficient to determine the role of this variant in disease. Therefore, it has been classified as a Variant of Uncertain Significance.

NM_000257.4(MYH7):c.5647G>C (p.Glu1883Gln)

Gene: MYH7 (myosin heavy chain 7; minus strand). Cytogenetic location: 14q11.2.
Variant type: single nucleotide variant.
Coding change: c.5647G>C on transcript NM_000257.4 (MANE Select); coding-DNA position 5647, G replaced by C.
Protein change: p.Glu1883Gln; replaces glutamic acid 1883 with glutamine.
Molecular consequence: missense variant.
Genome position (GRCh38, 1-based): chr14:23,414,015, C>G on the plus strand (G>C on the coding strand, the complement: MYH7 is on the minus strand). VCF-style: chr14-23414015-C-G. GRCh37 (hg19) VCF-style: chr14-23883224-C-G.
Other names: c.5647G>C, p.Glu1883Gln (NM_001407004.1); short protein forms E1883Q.
Identifiers: ClinVar variation 2745360 (VCV002745360.3), dbSNP rs121913652, ClinGen allele CA389034791.